The following is an entry in ClinVar:

NM_006846.4(SPINK5):c.1754A>C (p.Asn585Thr)

Gene: SPINK5 (serine peptidase inhibitor Kazal type 5; plus strand). Cytogenetic location: 5q32.
Variant type: single nucleotide variant.
Coding change: c.1754A>C on transcript NM_006846.4 (MANE Select); coding-DNA position 1754, A replaced by C.
Protein change: p.Asn585Thr; replaces asparagine 585 with threonine.
Molecular consequence: missense variant.
Genome position (GRCh38, 1-based): chr5:148,111,829, A>C. VCF-style: chr5-148111829-A-C. GRCh37 (hg19) VCF-style: chr5-147491392-A-C.
Other names: c.1754A>C, p.Asn585Thr (NM_001127698.2, NM_001127699.2); short protein forms N585T.
Identifiers: ClinVar variation 949851 (VCV000949851.9), dbSNP rs551099747, ClinGen allele CA128930053.

ClinVar aggregate classification (germline): Uncertain significance (1 of 4 stars; one submission).

Conditions:
Ichthyosis linearis circumflexa. Identifiers: MedGen C0265962, MONDO:0043106, HP:0025810.

Allele frequency attached by ClinVar (database versions not stated): gnomAD exomes below 0.00001.
gnomAD v4.1: 3 of 1,614,052 alleles (0.00019%); highest among the groups gnomAD compares: Non-Finnish European, 0.00025%; no homozygotes.

Submission:

Labcorp Genetics (formerly Invitae), Labcorp
Classification: Uncertain significance for Ichthyosis linearis circumflexa. Last evaluated: 2022-08-23. Review status: criteria provided, single submitter. Criteria: Invitae Variant Classification Sherloc (09022015). Collection method: clinical testing. Allele origin: germline.
Comment: This sequence change replaces asparagine, which is neutral and polar, with threonine, which is neutral and polar, at codon 585 of the SPINK5 protein (p.Asn585Thr). This variant is not present in population databases (gnomAD no frequency). This variant has not been reported in the literature in individuals affected with SPINK5-related conditions. ClinVar contains an entry for this variant (Variation ID: 949851). Algorithms developed to predict the effect of missense changes on protein structure and function are either unavailable or do not agree on the potential impact of this missense change (SIFT: "Deleterious"; PolyPhen-2: "Probably Damaging"; Align-GVGD: "Class C0"). In summary, the available evidence is currently insufficient to determine the role of this variant in disease. Therefore, it has been classified as a Variant of Uncertain Significance.